The following is an entry in ClinVar:

NM_030958.3(SLCO5A1):c.1711G>C (p.Gly571Arg)

Gene: SLCO5A1 (solute carrier organic anion transporter family member 5A1; minus strand). Cytogenetic location: 8q13.3.
Variant type: single nucleotide variant.
Coding change: c.1711G>C on transcript NM_030958.3 (MANE Select); coding-DNA position 1711, G replaced by C.
Protein change: p.Gly571Arg; replaces glycine 571 with arginine.
Molecular consequence: missense variant.
Genome position (GRCh38, 1-based): chr8:69,682,255, C>G on the plus strand (G>C on the coding strand, the complement: SLCO5A1 is on the minus strand). VCF-style: chr8-69682255-C-G. GRCh37 (hg19) VCF-style: chr8-70594490-C-G.
Other names: c.1711G>C, p.Gly571Arg (NM_001146008.2); c.1546G>C, p.Gly516Arg (NM_001146009.1); c.1711G>C (NM_030958.2); short protein forms G516R, G571R.
Identifiers: ClinVar variation 2167299 (VCV002167299.5), dbSNP rs761364188, ClinGen allele CA178311021.
Genomic context (GRCh38, chr8:69,682,255, plus strand): 5'-GATTACCACTATTAACACAGCCAGCCAGACAAGGGTTAAAGTATGTAATTCCATCTGATC[C>G]ACAGACTGGCTCATACTCGTGTATTTTACAACCACAATTAACGTTGCAGCTTCCTGTCAG-3'
Protein context (NP_112220.2, residues 561-581): CKIHEYEPVC[Gly571Arg]SDGITYFNPC

ClinVar aggregate classification (germline): Uncertain significance. Review status: criteria provided, multiple submitters, no conflicts (2 of 4 stars). 2 submissions from 2 submitters: Uncertain significance (2). Last evaluated 2022-06-29.

Allele frequency attached by ClinVar (database versions not stated): gnomAD 0.00003; TOPMed 0.00003; gnomAD exomes 0.00010.
gnomAD v4.1: 146 of 1,612,806 alleles (0.0091%); highest among the groups gnomAD compares: Non-Finnish European, 0.012%; no homozygotes.

Submissions (2):

Labcorp Genetics (formerly Invitae), Labcorp
Classification: Uncertain significance. Last evaluated: 2022-06-29. Review status: criteria provided, single submitter. Criteria: Invitae Variant Classification Sherloc (09022015). Collection method: clinical testing. Allele origin: germline.
Comment: In summary, the available evidence is currently insufficient to determine the role of this variant in disease. Therefore, it has been classified as a Variant of Uncertain Significance. Algorithms developed to predict the effect of missense changes on protein structure and function (SIFT, PolyPhen-2, Align-GVGD) all suggest that this variant is likely to be disruptive. This variant has not been reported in the literature in individuals affected with SLCO5A1-related conditions. This variant is present in population databases (rs761364188, gnomAD 0.006%). This sequence change replaces glycine, which is neutral and non-polar, with arginine, which is basic and polar, at codon 571 of the SLCO5A1 protein (p.Gly571Arg).

Ambry Genetics
Classification: Uncertain significance. Last evaluated: 2021-08-17. Review status: criteria provided, single submitter. Criteria: Ambry Variant Classification Scheme 2023. Collection method: clinical testing. Allele origin: germline.